The following is an entry in ClinVar:

ClinVar aggregate classification (germline): Uncertain significance. Review status: criteria provided, multiple submitters, no conflicts (2 of 4 stars). 2 submissions from 2 submitters: Uncertain significance (2). Last evaluated 2024-06-04.

Conditions:
Orofaciodigital syndrome type 6 (OFD6). Also called: OROFACIODIGITAL SYNDROME VI; OFDS VI; POLYDACTYLY, CLEFT LIP/PALATE OR LINGUAL LUMP, AND PSYCHOMOTOR RETARDATION; VARADI SYNDROME; VARADI-PAPP SYNDROME; Oral-facial-digital syndrome type 6. Identifiers: Orphanet 2754, MedGen C2745997, MONDO:0010176, OMIM 277170.
Joubert syndrome 17 (JBTS17). Identifiers: Orphanet 475, MedGen C3553264, MONDO:0013824, OMIM 614615.

Allele frequency attached by ClinVar (database versions not stated): TOPMed below 0.00001; ExAC 0.00001.

Submissions (2):

Fulgent Genetics
Classification: Uncertain significance for Orofaciodigital syndrome type 6; Joubert syndrome 17. Last evaluated: 2024-06-04. Review status: criteria provided, single submitter. Criteria: ACMG Guidelines, 2015. Collection method: clinical testing. Allele origin: germline.

Labcorp Genetics (formerly Invitae), Labcorp
Classification: Uncertain significance. Last evaluated: 2022-02-20. Review status: criteria provided, single submitter. Criteria: Invitae Variant Classification Sherloc (09022015). Collection method: clinical testing. Allele origin: germline.
Comment: This variant has not been reported in the literature in individuals affected with CPLANE1-related conditions. In summary, the available evidence is currently insufficient to determine the role of this variant in disease. Therefore, it has been classified as a Variant of Uncertain Significance. Advanced modeling of protein sequence and biophysical properties (such as structural, functional, and spatial information, amino acid conservation, physicochemical variation, residue mobility, and thermodynamic stability) performed at Invitae indicates that this missense variant is not expected to disrupt CPLANE1 protein function. This variant is not present in population databases (gnomAD no frequency). This sequence change replaces glutamic acid, which is acidic and polar, with lysine, which is basic and polar, at codon 1312 of the CPLANE1 protein (p.Glu1312Lys).

NM_001384732.1(CPLANE1):c.3934G>A (p.Glu1312Lys)

Gene: CPLANE1 (ciliogenesis and planar polarity effector complex subunit 1; minus strand). Cytogenetic location: 5p13.2.
Variant type: single nucleotide variant.
Coding change: c.3934G>A on transcript NM_001384732.1 (MANE Select); coding-DNA position 3934, G replaced by A.
Protein change: p.Glu1312Lys; replaces glutamic acid 1312 with lysine.
Molecular consequence: missense variant.
Genome position (GRCh38, 1-based): chr5:37,187,560, C>T on the plus strand (G>A on the coding strand, the complement: CPLANE1 is on the minus strand). VCF-style: chr5-37187560-C-T. GRCh37 (hg19) VCF-style: chr5-37187662-C-T.
Other names: c.3934G>A, p.Glu1312Lys (NM_023073.4); c.3934G>A (NM_023073.3); short protein forms E1312K.
Identifiers: ClinVar variation 2074931 (VCV002074931.5), dbSNP rs766614269, ClinGen allele CA3238818.